The following is an entry in ClinVar:

ClinVar aggregate classification (germline): Uncertain significance (1 of 4 stars; one submission).

Conditions:
BAP1-related tumor predisposition syndrome (TPDS1). Also called: COMMON Syndrome; TUMOR PREDISPOSITION SYNDROME 1; Tumor susceptibility linked to germline BAP1 mutations; BAP1 tumor predisposition syndrome. Identifiers: Orphanet 289539, MedGen C3280492, MONDO:0013692, OMIM 614327.

Submission:

Labcorp Genetics (formerly Invitae), Labcorp
Classification: Uncertain significance for BAP1-related tumor predisposition syndrome. Last evaluated: 2025-07-08. Review status: criteria provided, single submitter. Criteria: Invitae Variant Classification Sherloc (09022015). Collection method: clinical testing. Allele origin: germline.
Comment: This sequence change replaces glutamine, which is neutral and polar, with histidine, which is basic and polar, at codon 36 of the BAP1 protein (p.Gln36His). This variant is not present in population databases (gnomAD no frequency). This variant has not been reported in the literature in individuals affected with BAP1-related conditions. Invitae Evidence Modeling of protein sequence and biophysical properties (such as structural, functional, and spatial information, amino acid conservation, physicochemical variation, residue mobility, and thermodynamic stability) indicates that this missense variant is not expected to disrupt BAP1 protein function with a negative predictive value of 80%. In summary, the available evidence is currently insufficient to determine the role of this variant in disease. Therefore, it has been classified as a Variant of Uncertain Significance.

NM_004656.4(BAP1):c.108G>C (p.Gln36His)

Gene: BAP1 (BRCA1 associated deubiquitinase 1; minus strand). Cytogenetic location: 3p21.1.
Variant type: single nucleotide variant.
Coding change: c.108G>C on transcript NM_004656.4 (MANE Select); coding-DNA position 108, G replaced by C.
Protein change: p.Gln36His; replaces glutamine 36 with histidine.
Molecular consequence: missense variant.
Genome position (GRCh38, 1-based): chr3:52,409,568, C>G on the plus strand (G>C on the coding strand, the complement: BAP1 is on the minus strand). VCF-style: chr3-52409568-C-G. GRCh37 (hg19) VCF-style: chr3-52443584-C-G.
Other names: c.108G>C, p.Gln36His (NM_001410772.1); short protein forms Q36H.
Identifiers: ClinVar variation 4744566 (VCV004744566.1).
Genomic context (GRCh38, chr3:52,409,568, plus strand): 5'-CCAGCACTCTGGGTGTAAGGGGCAGCCCTGGTGTACAGCCACTCACCCCTGACATTTGCT[C>G]TGAAGGTCGTAGATCTCCTCCACTTGCACCCCCTTGACACCTGCGATGAGGAAAGGAAAG-3'
Protein context (NP_004647.1, residues 26-46): GVQVEEIYDL[Gln36His]SKCQGPVYGF